The following is an entry in ClinVar:

ClinVar aggregate classification (germline): Likely benign (1 of 4 stars; one submission).

Allele frequency attached by ClinVar (database versions not stated): TOPMed 0.00516; gnomAD 0.00550.
gnomAD v4.1: 834 of 149,348 alleles (0.56%); highest among the groups gnomAD compares: Non-Finnish European, 0.84%; 6 homozygotes.

Submission:

CeGaT Center for Human Genetics Tuebingen
Classification: Likely benign. Last evaluated: 2026-06-01. Review status: criteria provided, single submitter. Criteria: CeGaT Center For Human Genetics Tuebingen Variant Classification Criteria Version 2. Collection method: clinical testing. Allele origin: germline. Affected: yes. Observed: 30 variant alleles.
Comment: NTRK1: BS2

NM_002529.4(NTRK1):c.429-452C>A

Gene: NTRK1 (neurotrophic receptor tyrosine kinase 1; plus strand). Cytogenetic location: 1q23.1.
Variant type: single nucleotide variant.
Coding change: c.429-452C>A on transcript NM_002529.4 (MANE Select); 452 bases into the intron before coding-DNA position 429, C replaced by A.
Molecular consequence: intron variant.
Genome position (GRCh38, 1-based): chr1:156,867,652, C>A. VCF-style: chr1-156867652-C-A. GRCh37 (hg19) VCF-style: chr1-156837444-C-A.
Other names: c.339-452C>A (NM_001007792.1); c.429-452C>A (NM_001012331.2).
Identifiers: ClinVar variation 1879099 (VCV001879099.29), dbSNP rs540788563, ClinGen allele CA10781704.